The following is an entry in ClinVar:

NM_001079872.2(CUL4B):c.1107A>G (p.Gln369=)

Gene: CUL4B (cullin 4B; minus strand). Cytogenetic location: Xq24.
Variant type: single nucleotide variant.
Coding change: c.1107A>G on transcript NM_001079872.2 (MANE Select); coding-DNA position 1107, A replaced by G.
Protein change: p.Gln369=; no amino-acid change (glutamine 369 retained).
Molecular consequence: synonymous variant.
Genome position (GRCh38, 1-based): chrX:120,544,180, T>C on the plus strand (A>G on the coding strand, the complement: CUL4B is on the minus strand). VCF-style: chrX-120544180-T-C. GRCh37 (hg19) VCF-style: chrX-119678035-T-C.
Other names: c.1122A>G, p.Gln374= (NM_001330624.2); c.573A>G, p.Gln191= (NM_001369145.1); c.1161A>G, p.Gln387= (NM_003588.4).
Identifiers: ClinVar variation 3357034 (VCV003357034.3).
Genomic context (GRCh38, chrX:120,544,180, plus strand): 5'-TTCTTGCATTAATTTTTGGCCTTCAGCTGCATAGAGCCGGTTAGTTTCTTCCAAAAATCG[T>C]TGTTCAAAAGAATCTTGATAAATCTGGAGGGGGAACAAAATGAAGGAGATCATTTATTTA-3'
Protein context (NP_001073341.1, residues 359-379): DLQIYQDSFE[Gln369=]RFLEETNRLY

ClinVar aggregate classification (germline): Benign. Review status: criteria provided, single submitter (1 of 4 stars). 2 submissions from 2 submitters: Benign (1). 1 of the submissions does not count toward it. Last evaluated 2025-07-30.

Conditions:
X-linked intellectual disability Cabezas type (MRXSC). Also called: CABEZAS SYNDROME; MENTAL RETARDATION, X-LINKED, SYNDROMIC 15; Intellectual developmental disorder, X-linked syndromic, Cabezas type. Identifiers: Orphanet 85289, Orphanet 85293, MedGen C1845861, MONDO:0010306, OMIM 300354.
CUL4B-related disorder. Also called: CUL4B-related condition.

gnomAD v4.1: 7 of 1,200,152 alleles (0.00058%); highest among the groups gnomAD compares: Admixed American, 0.0044%; no homozygotes.

Submissions (2):

Labcorp Genetics (formerly Invitae), Labcorp
Classification: Benign for X-linked intellectual disability Cabezas type. Last evaluated: 2025-07-30. Review status: criteria provided, single submitter. Criteria: Invitae Variant Classification Sherloc (09022015). Collection method: clinical testing. Allele origin: germline.

PreventionGenetics, part of Exact Sciences
Classification: Likely benign for CUL4B-related condition. Last evaluated: 2021-08-19. Review status: no assertion criteria provided. Collection method: clinical testing. Allele origin: germline. Not counted in ClinVar's aggregate classification.
Comment: This variant is classified as likely benign based on ACMG/AMP sequence variant interpretation guidelines (Richards et al. 2015 PMID: 25741868, with internal and published modifications).